The following is an entry in ClinVar:

NM_006516.4(SLC2A1):c.977T>C (p.Phe326Ser)

Gene: SLC2A1 (solute carrier family 2 member 1; minus strand). Cytogenetic location: 1p34.2.
Variant type: single nucleotide variant.
Coding change: c.977T>C on transcript NM_006516.4 (MANE Select); coding-DNA position 977, T replaced by C.
Protein change: p.Phe326Ser; replaces phenylalanine 326 with serine.
Molecular consequence: missense variant.
Genome position (GRCh38, 1-based): chr1:42,929,029, A>G on the plus strand (T>C on the coding strand, the complement: SLC2A1 is on the minus strand). VCF-style: chr1-42929029-A-G. GRCh37 (hg19) VCF-style: chr1-43394700-A-G.
Other names: short protein forms F326S.
Identifiers: ClinVar variation 1053280 (VCV001053280.9), dbSNP rs747411639, ClinGen allele CA803374.

ClinVar aggregate classification (germline): Uncertain significance (1 of 4 stars; one submission).

Conditions:
GLUT1 deficiency syndrome 1, autosomal recessive. Identifiers: MedGen C3149117.

Allele frequency attached by ClinVar (database versions not stated): gnomAD exomes below 0.00001; ExAC 0.00002.
gnomAD v4.1: 2 of 1,613,044 alleles (0.00012%); highest among the groups gnomAD compares: Non-Finnish European, 0.00017%; no homozygotes.

Submission:

Labcorp Genetics (formerly Invitae), Labcorp
Classification: Uncertain significance for GLUT1 deficiency syndrome 1, autosomal recessive. Last evaluated: 2020-10-21. Review status: criteria provided, single submitter. Criteria: Invitae Variant Classification Sherloc (09022015). Collection method: clinical testing. Allele origin: germline.
Comment: In summary, the available evidence is currently insufficient to determine the role of this variant in disease. Therefore, it has been classified as a Variant of Uncertain Significance. Advanced modeling of protein sequence and biophysical properties (such as structural, functional, and spatial information, amino acid conservation, physicochemical variation, residue mobility, and thermodynamic stability) performed at Invitae indicates that this missense variant is expected to disrupt SLC2A1 protein function. This variant has not been reported in the literature in individuals with SLC2A1-related conditions. This variant is present in population databases (rs747411639, ExAC 0.003%). This sequence change replaces phenylalanine with serine at codon 326 of the SLC2A1 protein (p.Phe326Ser). The phenylalanine residue is moderately conserved and there is a large physicochemical difference between phenylalanine and serine.